The following is an entry in ClinVar:

NM_181712.5(KANK4):c.2227G>A (p.Glu743Lys)

Gene: KANK4 (KN motif and ankyrin repeat domains 4; minus strand). Cytogenetic location: 1p31.3.
Variant type: single nucleotide variant.
Coding change: c.2227G>A on transcript NM_181712.5 (MANE Select); coding-DNA position 2227, G replaced by A.
Protein change: p.Glu743Lys; replaces glutamic acid 743 with lysine.
Molecular consequence: missense variant.
Genome position (GRCh38, 1-based): chr1:62,268,291, C>T on the plus strand (G>A on the coding strand, the complement: KANK4 is on the minus strand). VCF-style: chr1-62268291-C-T. GRCh37 (hg19) VCF-style: chr1-62733963-C-T.
Other names: c.343G>A, p.Glu115Lys (NM_001320269.2); short protein forms E115K, E743K.
Identifiers: ClinVar variation 2223306 (VCV002223306.3), dbSNP rs199995008, ClinGen allele CA884190.
Genomic context (GRCh38, chr1:62,268,291, plus strand): 5'-ATGCCCTTGACCTTTTTCAGAGGAACAAGTGCCCGCGTTTGTGTCCATTTGCTCACCTCT[C>T]GGCCTTGGAGTGGGGGACTTCTTCCCCAGGCCCACTTTCCTGGGCAGCATGGCAGGTGCC-3'
Protein context (NP_859063.3, residues 733-753): PGEEVPHSKA[Glu743Lys]RYKPSEEFLN

ClinVar aggregate classification (germline): Uncertain significance. Review status: criteria provided, multiple submitters, no conflicts (2 of 4 stars). 2 submissions from 2 submitters: Uncertain significance (2). Last evaluated 2025-11-22.

Allele frequency attached by ClinVar (database versions not stated): gnomAD 0.00003; gnomAD exomes 0.00004; TOPMed 0.00004; ExAC 0.00006; 1000 Genomes Project 0.00020; 1000 Genomes Project 30x 0.00031.
gnomAD v4.1: 67 of 1,613,256 alleles (0.0042%); highest among the groups gnomAD compares: Admixed American, 0.012%; no homozygotes.

Submissions (2):

Labcorp Genetics (formerly Invitae), Labcorp
Classification: Uncertain significance. Last evaluated: 2025-11-22. Review status: criteria provided, single submitter. Criteria: Invitae Variant Classification Sherloc (09022015). Collection method: clinical testing. Allele origin: germline.
Comment: This sequence change replaces glutamic acid, which is acidic and polar, with lysine, which is basic and polar, at codon 743 of the KANK4 protein (p.Glu743Lys). This variant is present in population databases (rs199995008, gnomAD 0.02%). This variant has not been reported in the literature in individuals affected with KANK4-related conditions. ClinVar contains an entry for this variant (Variation ID: 2223306). An algorithm developed to predict the effect of missense changes on protein structure and function (PolyPhen-2) suggests that this variant is likely to be disruptive. In summary, the available evidence is currently insufficient to determine the role of this variant in disease. Therefore, it has been classified as a Variant of Uncertain Significance.

Ambry Genetics
Classification: Uncertain significance. Last evaluated: 2021-10-20. Review status: criteria provided, single submitter. Criteria: Ambry Variant Classification Scheme 2023. Collection method: clinical testing. Allele origin: germline.